The following is an entry in ClinVar:

ClinVar aggregate classification (germline): Benign/Likely benign. Review status: criteria provided, multiple submitters, no conflicts (2 of 4 stars). 9 submissions from 9 submitters: Benign (8); Likely benign (1). Last evaluated 2026-02-04.

Conditions:
Familial hemophagocytic lymphohistiocytosis 3 (FHL3). Also called: UNC13D-Related Familial Hemophagocytic Lymphohistiocytosis (UNC13D-fHLH). Identifiers: Orphanet 540, MedGen C1837174, MONDO:0012146, OMIM 608898.

Allele frequency attached by ClinVar (database versions not stated): 1000 Genomes Project 0.15755; 1000 Genomes Project 30x 0.15990; gnomAD exomes 0.18934 and 0.21739; ExAC 0.18974; TOPMed 0.19135; gnomAD 0.19258 and 0.19407; ESP Exome Variant Server 0.20644.
gnomAD v4.1: 346,668 of 1,613,612 alleles (21%); highest among the groups gnomAD compares: Non-Finnish European, 23%; 38,465 homozygotes.

Submissions (19):

Labcorp Genetics (formerly Invitae), Labcorp
Classification: Benign for Familial hemophagocytic lymphohistiocytosis 3. Last evaluated: 2026-02-04. Review status: criteria provided, single submitter. Criteria: Invitae Variant Classification Sherloc (09022015). Collection method: clinical testing. Allele origin: germline.

Blueprint Genetics
Classification: Likely benign. Last evaluated: 2024-11-28. Review status: criteria provided, single submitter. Criteria: ACMG Guidelines, 2015. Collection method: clinical testing. Allele origin: germline.

Unidad de Genómica Garrahan, Hospital de Pediatría Garrahan
Classification: Benign. Last evaluated: 2023-11-12. Review status: criteria provided, single submitter. Criteria: ACMG Guidelines, 2015. Collection method: clinical testing. Allele origin: germline. Affected: no. Observed: 30 variant alleles.
Comment: This variant is classified as Benign based on local population frequency. This variant was detected in 31% of patients studied by a panel of primary immunodeficiencies. Number of patients: 30. Only high quality variants are reported.

Mayo Clinic Laboratories, Mayo Clinic
Classification: Benign. Last evaluated: 2022-09-06. Review status: criteria provided, single submitter. Criteria: ACMG Guidelines, 2015. Collection method: clinical testing. Allele origin: germline. Observed: 258 variant alleles.

Genome-Nilou Lab
Classification: Benign for Familial hemophagocytic lymphohistiocytosis 3. Last evaluated: 2021-12-05. Review status: criteria provided, single submitter. Criteria: ACMG Guidelines, 2015. Collection method: clinical testing. Allele origin: germline. Affected: no.

Illumina Laboratory Services, Illumina
Classification: Benign for Familial hemophagocytic lymphohistiocytosis 3. Last evaluated: 2018-01-13. Review status: criteria provided, single submitter. Criteria: ICSL Variant Classification Criteria 13 December 2019. Collection method: clinical testing. Allele origin: germline.
Comment: This variant was observed in the ICSL laboratory as part of a predisposition screen in an ostensibly healthy population. It had not been previously curated by ICSL or reported in the Human Gene Mutation Database (HGMD: prior to June 1st, 2018), and was therefore a candidate for classification through an automated scoring system. Utilizing variant allele frequency, disease prevalence and penetrance estimates, and inheritance mode, an automated score was calculated to assess if this variant is too frequent to cause the disease. Based on the score and internal cut-off values, a variant classified as benign is not then subjected to further curation. The score for this variant resulted in a classification of benign for this disease.

Laboratory for Molecular Medicine, Mass General Brigham Personalized Medicine
Classification: Benign. Last evaluated: 2016-03-29. Review status: criteria provided, single submitter. Criteria: LMM Criteria. Collection method: clinical testing. Allele origin: germline.
Comment: Variant identified in a genome or exome case(s) and assessed due to predicted null impact of the variant or pathogenic assertions in the literature or databases. Disclaimer: This variant has not undergone full assessment. The following are preliminary notes: Frequency

Breakthrough Genomics
Classification: Benign. Review status: criteria provided, single submitter. Criteria: ACMG Guidelines, 2015. Collection method: not provided. Allele origin: germline. Inheritance: Autosomal recessive inheritance. Affected: yes.

PreventionGenetics, part of Exact Sciences
Classification: Benign. Review status: criteria provided, single submitter. Criteria: ACMG Guidelines, 2015. Collection method: clinical testing. Allele origin: germline.

Dr. Peter K. Rogan Lab, Western University
No classification provided (evidence only). Condition: Familial cancer of breast. Review status: no classification provided. Collection method: in vitro. Allele origin: not applicable. Functional consequence: retained intron. Not counted in ClinVar's aggregate classification.

Dr. Peter K. Rogan Lab, Western University
No classification provided (evidence only). Condition: Familial cancer of breast. Review status: no classification provided. Collection method: in vitro. Allele origin: not applicable. Functional consequence: retained intron. Not counted in ClinVar's aggregate classification.

Dr. Peter K. Rogan Lab, Western University
No classification provided (evidence only). Condition: Familial cancer of breast. Review status: no classification provided. Collection method: in vitro. Allele origin: not applicable. Functional consequence: retained intron. Not counted in ClinVar's aggregate classification.

Dr. Peter K. Rogan Lab, Western University
No classification provided (evidence only). Condition: Malignant lymphoma, large B-cell, diffuse. Review status: no classification provided. Collection method: in vitro. Allele origin: not applicable. Functional consequence: retained intron. Not counted in ClinVar's aggregate classification.

Dr. Peter K. Rogan Lab, Western University
No classification provided (evidence only). Condition: Malignant lymphoma, large B-cell, diffuse. Review status: no classification provided. Collection method: in vitro. Allele origin: not applicable. Functional consequence: retained intron. Not counted in ClinVar's aggregate classification.

Dr. Peter K. Rogan Lab, Western University
No classification provided (evidence only). Condition: Malignant lymphoma, large B-cell, diffuse. Review status: no classification provided. Collection method: in vitro. Allele origin: not applicable. Functional consequence: retained intron. Not counted in ClinVar's aggregate classification.

Dr. Peter K. Rogan Lab, Western University
No classification provided (evidence only). Condition: Malignant lymphoma, large B-cell, diffuse. Review status: no classification provided. Collection method: in vitro. Allele origin: not applicable. Functional consequence: retained intron. Not counted in ClinVar's aggregate classification.

Dr. Peter K. Rogan Lab, Western University
No classification provided (evidence only). Condition: Malignant lymphoma, large B-cell, diffuse. Review status: no classification provided. Collection method: in vitro. Allele origin: not applicable. Functional consequence: retained intron. Not counted in ClinVar's aggregate classification.

Dr. Peter K. Rogan Lab, Western University
No classification provided (evidence only). Condition: Uterine carcinosarcoma. Review status: no classification provided. Collection method: in vitro. Allele origin: not applicable. Functional consequence: retained intron. Not counted in ClinVar's aggregate classification.

Dr. Peter K. Rogan Lab, Western University
No classification provided (evidence only). Condition: Uterine carcinosarcoma. Review status: no classification provided. Collection method: in vitro. Allele origin: not applicable. Functional consequence: retained intron. Not counted in ClinVar's aggregate classification.

NM_199242.3(UNC13D):c.1992+5G>A

Gene: UNC13D (unc-13 homolog D; minus strand). Cytogenetic location: 17q25.1.
Variant type: single nucleotide variant.
Coding change: c.1992+5G>A on transcript NM_199242.3 (MANE Select); 5 bases into the intron after coding-DNA position 1992, G replaced by A.
Molecular consequence: intron variant.
Genome position (GRCh38, 1-based): chr17:75,834,915, C>T on the plus strand (G>A on the coding strand, the complement: UNC13D is on the minus strand). VCF-style: chr17-75834915-C-T. GRCh37 (hg19) VCF-style: chr17-73830996-C-T.
Identifiers: ClinVar variation 263222 (VCV000263222.25), dbSNP rs17581728, ClinGen allele CA8772729.